The following is an entry in ClinVar:

ClinVar aggregate classification (germline): Uncertain significance (1 of 4 stars; one submission).

Conditions:
Neuronal ceroid lipofuscinosis 7 (CLN7). Also called: MFSD8-Related Neuronal Ceroid-Lipofuscinosis. Identifiers: Orphanet 168491, Orphanet 228366, MedGen C1838571, MONDO:0012588, OMIM 610951.

Allele frequency attached by ClinVar (database versions not stated): TOPMed below 0.00001.

Submission:

Labcorp Genetics (formerly Invitae), Labcorp
Classification: Uncertain significance for Neuronal ceroid lipofuscinosis 7. Last evaluated: 2024-04-10. Review status: criteria provided, single submitter. Criteria: Invitae Variant Classification Sherloc (09022015). Collection method: clinical testing. Allele origin: germline.
Comment: This sequence change replaces lysine, which is basic and polar, with arginine, which is basic and polar, at codon 504 of the MFSD8 protein (p.Lys504Arg). This variant is not present in population databases (gnomAD no frequency). This variant has not been reported in the literature in individuals affected with MFSD8-related conditions. ClinVar contains an entry for this variant (Variation ID: 1446805). Algorithms developed to predict the effect of missense changes on protein structure and function output the following: SIFT: "Not Available"; PolyPhen-2: "Benign"; Align-GVGD: "Not Available". The arginine amino acid residue is found in multiple mammalian species, which suggests that this missense change does not adversely affect protein function. In summary, the available evidence is currently insufficient to determine the role of this variant in disease. Therefore, it has been classified as a Variant of Uncertain Significance.

NM_001371596.2(MFSD8):c.1511A>G (p.Lys504Arg)

Gene: MFSD8 (major facilitator superfamily domain containing 8; minus strand). Cytogenetic location: 4q28.2.
Variant type: single nucleotide variant.
Coding change: c.1511A>G on transcript NM_001371596.2 (MANE Select); coding-DNA position 1511, A replaced by G.
Protein change: p.Lys504Arg; replaces lysine 504 with arginine.
Molecular consequence: missense variant.
Genome position (GRCh38, 1-based): chr4:127,920,676, T>C on the plus strand (A>G on the coding strand, the complement: MFSD8 is on the minus strand). VCF-style: chr4-127920676-T-C. GRCh37 (hg19) VCF-style: chr4-128841831-T-C.
Other names: c.1310A>G, p.Lys437Arg (NM_001363520.3); c.1196A>G, p.Lys399Arg (NM_001363521.3); c.1376A>G, p.Lys459Arg (NM_001371590.2); c.1520A>G, p.Lys507Arg (NM_001371591.2); c.1517A>G, p.Lys506Arg (NM_001371592.2); c.1397A>G, p.Lys466Arg (NM_001371593.2); c.1364A>G, p.Lys455Arg (NM_001371594.2); c.1229A>G, p.Lys410Arg (NM_001371595.1); and 3 more; short protein forms K410R, K504R, K506R, K455R, K507R, K437R, K399R, K459R.
Identifiers: ClinVar variation 1446805 (VCV001446805.7), dbSNP rs1736213182, ClinGen allele CA358170516.